The following is an entry in ClinVar:

NM_001244008.2(KIF1A):c.3247G>A (p.Ala1083Thr)

Gene: KIF1A (kinesin family member 1A; minus strand). Cytogenetic location: 2q37.3.
Variant type: single nucleotide variant.
Coding change: c.3247G>A on transcript NM_001244008.2 (MANE Select); coding-DNA position 3247, G replaced by A.
Protein change: p.Ala1083Thr; replaces alanine 1083 with threonine.
Molecular consequence: missense variant.
Genome position (GRCh38, 1-based): chr2:240,745,865, C>T on the plus strand (G>A on the coding strand, the complement: KIF1A is on the minus strand). VCF-style: chr2-240745865-C-T. GRCh37 (hg19) VCF-style: chr2-241685282-C-T.
Other names: c.3247G>A (NM_001244008.1); c.2971G>A, p.Ala991Thr (NM_001320705.2, NM_001330289.2, NM_001379638.1); c.3046G>A, p.Ala1016Thr (NM_001330290.2, NM_001379634.1, NM_001379635.1 and 1 more transcripts); c.3322G>A, p.Ala1108Thr (NM_001379631.1); c.3196G>A, p.Ala1066Thr (NM_001379632.1); c.3220G>A, p.Ala1074Thr (NM_001379633.1, NM_001379642.1, NM_001379645.1); c.2944G>A, p.Ala982Thr (NM_001379636.1, NM_001379639.1, NM_001379641.1 and 5 more transcripts); c.3019G>A, p.Ala1007Thr (NM_001379637.1, NM_001379648.1); and 1 more; short protein forms A982T, A1083T, A991T, A1016T, A1007T, A1066T, A1074T, A1108T.
Identifiers: ClinVar variation 335271 (VCV000335271.26), dbSNP rs201793635, ClinGen allele CA2207859.
Genomic context (GRCh38, chr2:240,745,865, plus strand): 5'-AGGTGAAGGTGTTGCCCAGGCGGAGGTGGTCCAGGGCAGCATCCAGGGGCCCATCCAGGG[C>T]GGCTTTCTCAGAGCTGTCTAGGAGGAGGCCTTCTGGGGGCACTGCTGCTGGGAGTCAAGG-3'
Protein context (NP_001230937.1, residues 1073-1093): GLLLDSSEKA[Ala1083Thr]LDGPLDAALD

ClinVar aggregate classification (germline): Conflicting classifications of pathogenicity. Review status: criteria provided, conflicting classifications (1 of 4 stars). 8 submissions from 8 submitters: Uncertain significance (3); Benign (1); Likely benign (3). 1 of the submissions does not count toward it. Last evaluated 2026-02-27.

Conditions:
Inborn genetic diseases. Identifiers: MedGen C0950123, MeSH D030342.
KIF1A-related disorder. Also called: KIF1A-related disorders; KIF1A-related condition.
Hereditary spastic paraplegia 30. Identifiers: Orphanet 101010, MedGen C5235139, MONDO:0012476.
Neuropathy, hereditary sensory, type 2C. Also called: KIF1A-Related HSAN2 (HSAN2C); Hereditary sensory and autonomic neuropathy type IIC. Identifiers: Orphanet 970, MedGen C3280168, MONDO:0013634, OMIM 614213.
Intellectual disability, autosomal dominant 9 (NESCAVS). Also called: KIF1A-Related Neurodevelopmental Disorder; NESCAV SYNDROME. Identifiers: Orphanet 662367, MedGen C5393830, MONDO:0013656, OMIM 614255.
Hereditary spastic paraplegia. Also called: Familial spastic paraparesis. Identifiers: Orphanet 685, MedGen C0037773, MONDO:0019064. Disease mechanism: loss of function.

Allele frequency attached by ClinVar (database versions not stated): ESP Exome Variant Server 0.00008; gnomAD 0.00016 and 0.00020; TOPMed 0.00016; gnomAD exomes 0.00028; ExAC 0.00041; 1000 Genomes Project 30x 0.00062; 1000 Genomes Project 0.00080.
gnomAD v4.1: 452 of 1,611,754 alleles (0.028%); highest among the groups gnomAD compares: East Asian, 0.64%; 3 homozygotes.

Submissions (8):

Women's Health and Genetics/Laboratory Corporation of America, LabCorp
Classification: Benign. Last evaluated: 2026-02-27. Review status: criteria provided, single submitter. Criteria: LabCorp Variant Classification Summary - May 2015. Collection method: clinical testing. Allele origin: germline.
Comment: Variant summary: KIF1A c.2944G>A (p.Ala982Thr) results in a non-conservative amino acid change in the encoded protein sequence. Algorithms developed to predict the effect of missense changes on protein structure and function are either unavailable or do not agree on the potential impact of this missense change. The variant allele was found at a frequency of 0.00028 in 1604788 control chromosomes, predominantly at a frequency of 0.0064 within the East Asian subpopulation in the gnomAD database, including 3 homozygotes. In addition, the variant was reported in some East Asian subpopulations with an even higher allele frequency, e.g. in the Japanese, with an allele frequency of 0.012, including 7 homozygotes (in the jMorp database; PMID: 33179747). The observed variant frequency within East Asian control individuals in the gnomAD database exceeds the estimated maximal expected allele frequency for disease-causing variants in KIF1A. c.2944G>A has been observed in heterozygous state in 2 Chinese individuals affected with amyotrophic lateral sclerosis, but was also found in controls (Zheng_2024). These report(s) do not provide unequivocal conclusions about association of the variant with Neuropathy, hereditary sensory, type 2C. To our knowledge, no experimental evidence demonstrating an impact on protein function has been reported. However, sequence comparison with other vertebrate species indicates the variant is located to a moderately conserved region, and the Ala to Thr substitution at this codon is phylogenetically not constrained. The following publication has been ascertained in the context of this evaluation (PMID: 39076207). ClinVar contains an entry for this variant (Variation ID: 335271). Based on the evidence outlined above, the variant was classified as benign.

Labcorp Genetics (formerly Invitae), Labcorp
Classification: Likely benign for Hereditary spastic paraplegia 30; Neuropathy, hereditary sensory, type 2C; Intellectual disability, autosomal dominant 9. Last evaluated: 2026-01-12. Review status: criteria provided, single submitter. Criteria: Invitae Variant Classification Sherloc (09022015). Collection method: clinical testing. Allele origin: germline.

ARUP Laboratories, Molecular Genetics and Genomics, ARUP Laboratories
Classification: Likely benign. Last evaluated: 2023-02-22. Review status: criteria provided, single submitter. Criteria: ARUP Molecular Germline Variant Investigation Process 2024. Collection method: clinical testing. Allele origin: germline.

GeneDx
Classification: Likely benign. Last evaluated: 2020-09-02. Review status: criteria provided, single submitter. Criteria: GeneDx Variant Classification Process June 2021. Collection method: clinical testing. Allele origin: germline. Affected: yes.

Illumina Laboratory Services, Illumina
Classification: Uncertain significance for Spastic paraplegia 30A, autosomal dominant. Last evaluated: 2018-01-12. Review status: criteria provided, single submitter. Criteria: ICSL Variant Classification Criteria 13 December 2019. Collection method: clinical testing. Allele origin: germline.

Genome Diagnostics Laboratory, The Hospital for Sick Children
Classification: Uncertain significance for Hereditary spastic paraplegia. Last evaluated: 2017-10-02. Review status: criteria provided, single submitter. Criteria: ACMG Guidelines, 2015. Collection method: clinical testing. Allele origin: germline. Affected: yes.

Ambry Genetics
Classification: Uncertain significance for Inborn genetic diseases. Last evaluated: 2017-05-31. Review status: criteria provided, single submitter. Criteria: Ambry Variant Classification Scheme 2023. Collection method: clinical testing. Allele origin: germline.
Comment: The p.A982T variant (also known as c.2944G>A), located in coding exon 28 of the KIF1A gene, results from a G to A substitution at nucleotide position 2944. The alanine at codon 982 is replaced by threonine, an amino acid with similar properties. This amino acid position is poorly conserved in available vertebrate species, and threonine is the reference amino acid in other vertebrate species. In addition, this alteration is predicted to be tolerated by in silico analysis. Since supporting evidence is limited at this time, the clinical significance of this alteration remains unclear.

PreventionGenetics, part of Exact Sciences
Classification: Likely benign for KIF1A-related condition. Last evaluated: 2022-05-27. Review status: no assertion criteria provided. Collection method: clinical testing. Allele origin: germline. Not counted in ClinVar's aggregate classification.
Comment: This variant is classified as likely benign based on ACMG/AMP sequence variant interpretation guidelines (Richards et al. 2015 PMID: 25741868, with internal and published modifications).

Literature cited by the submitters: PubMed 39076207 (cited by Women's Health and Genetics/Laboratory Corporation of America, LabCorp).